The following is an entry in ClinVar:

ClinVar aggregate classification (germline): Uncertain significance (1 of 4 stars; one submission).

Allele frequency attached by ClinVar (database versions not stated): TOPMed below 0.00001; gnomAD 0.00001.
gnomAD v4.1: 2 of 1,210,453 alleles (0.00017%); highest among the groups gnomAD compares: Non-Finnish European, 0.00022%; no homozygotes.

Submission:

GeneDx
Classification: Uncertain significance. Last evaluated: 2026-09-06. Review status: criteria provided, single submitter. Criteria: GeneDx Variant Classification Process June 2021. Collection method: clinical testing. Allele origin: germline.
Comment: Not observed at significant frequency in large population cohorts (gnomAD); In silico analysis suggests that this missense variant does not alter protein structure/function; Has not been previously published as pathogenic or benign to our knowledge

NM_001109878.2(TBX22):c.1444C>A (p.Pro482Thr)

Gene: TBX22 (T-box transcription factor 22). Cytogenetic location: Xq21.1.
Variant type: single nucleotide variant.
Coding change: c.1444C>A on transcript NM_001109878.2 (MANE Select); coding-DNA position 1444, C replaced by A.
Protein change: p.Pro482Thr; replaces proline 482 with threonine.
Molecular consequence: missense variant.
Genome position (GRCh38, 1-based): chrX:80,030,992, C>A. VCF-style: chrX-80030992-C-A. GRCh37 (hg19) VCF-style: chrX-79286491-C-A.
Other names: c.1084C>A, p.Pro362Thr (NM_001109879.2, NM_001303475.1); c.1444C>A, p.Pro482Thr (NM_016954.2); short protein forms P362T, P482T.
Identifiers: ClinVar variation 2579317 (VCV002579317.3), dbSNP rs969874867, ClinGen allele CA331778499.
Genomic context (GRCh38, chrX:80,030,992, plus strand): 5'-GAAGCACTTAGTTGCTCCTTTCATCCTTCCTATGACTTTTATAGATACAATTTCTCTATG[C>A]CATCTAGACTGATAAGTGGTTCCAACCATCTTAAAGTGAATGACGACAGTCAAGTTTCTT-3'
Protein context (NP_001103348.1, residues 472-492): YDFYRYNFSM[Pro482Thr]SRLISGSNHL